The following is an entry in ClinVar:

ClinVar aggregate classification (germline): Likely benign. Review status: criteria provided, multiple submitters, no conflicts (2 of 4 stars). 2 submissions from 2 submitters: Likely benign (2). Last evaluated 2025-09-30.

Conditions:
MYO5B-related disorder. Also called: MYO5B-related condition.

Allele frequency attached by ClinVar (database versions not stated): TOPMed below 0.00001.
gnomAD v4.1: 1 of 1,614,092 alleles (0.000062%); highest among the groups gnomAD compares: African/African-American, 0.0013%; no homozygotes.

Submissions (2):

PreventionGenetics, part of Exact Sciences
Classification: Likely benign for MYO5B-related condition. Last evaluated: 2025-09-30. Review status: criteria provided, single submitter. Criteria: ACMG Guidelines, 2015. Collection method: clinical testing. Allele origin: germline.
Comment: This variant is classified as likely benign based on ACMG/AMP sequence variant interpretation guidelines (Richards et al. 2015 PMID: 25741868, with internal and published modifications).

Labcorp Genetics (formerly Invitae), Labcorp
Classification: Likely benign. Last evaluated: 2021-05-31. Review status: criteria provided, single submitter. Criteria: Invitae Variant Classification Sherloc (09022015). Collection method: clinical testing. Allele origin: germline.

NM_001080467.3(MYO5B):c.5295C>T (p.Thr1765=)

Genes: SNHG22 (small nucleolar RNA host gene 22; plus strand), MYO5B (myosin VB; minus strand). Cytogenetic location: 18q21.1.
Variant type: single nucleotide variant.
Coding change: c.5295C>T on transcript NM_001080467.3 (MANE Select); coding-DNA position 5295, C replaced by T.
Protein change: p.Thr1765=; no amino-acid change (threonine 1765 retained).
Molecular consequence: synonymous variant.
Genome position (GRCh38, 1-based): chr18:49,836,729, G>A on the plus strand (C>T on the coding strand, the complement: MYO5B is on the minus strand). VCF-style: chr18-49836729-G-A. GRCh37 (hg19) VCF-style: chr18-47363099-G-A.
Other names: c.5295C>T (NM_001080467.2).
Identifiers: ClinVar variation 1562777 (VCV001562777.9), dbSNP rs1404927776, ClinGen allele CA503849951.